The following is an entry in ClinVar:

NM_002524.5(NRAS):c.504G>A (p.Met168Ile)

Gene: NRAS (NRAS proto-oncogene, GTPase; minus strand). Cytogenetic location: 1p13.2.
Variant type: single nucleotide variant.
Coding change: c.504G>A on transcript NM_002524.5 (MANE Select); coding-DNA position 504, G replaced by A.
Protein change: p.Met168Ile; replaces methionine 168 with isoleucine.
Molecular consequence: missense variant.
Genome position (GRCh38, 1-based): chr1:114,708,601, C>T on the plus strand (G>A on the coding strand, the complement: NRAS is on the minus strand). VCF-style: chr1-114708601-C-T. GRCh37 (hg19) VCF-style: chr1-115251222-C-T.
Other names: short protein forms M168I.
Identifiers: ClinVar variation 3604999 (VCV003604999.2).
Genomic context (GRCh38, chr1:114,708,601, plus strand): 5'-CACCACACATGGCAATCCCATACAACCCTGAGTCCCATCATCACTGCTGTTGAGTTTTTT[C>T]ATTCGGTACTGGCGTATTTCTCTTACCAGTGTGTAAAAAGCATCTTCAACACCCTATAAA-3'
Protein context (NP_002515.1, residues 158-178): TLVREIRQYR[Met168Ile]KKLNSSDDGT

ClinVar aggregate classification (germline): Uncertain significance (1 of 4 stars; one submission).

Conditions:
RASopathy. Also called: Noonan spectrum disorder; rasopathies. Identifiers: Orphanet 536391, MedGen C5555857, MONDO:0021060.

Submission:

Labcorp Genetics (formerly Invitae), Labcorp
Classification: Uncertain significance for RASopathy. Last evaluated: 2025-04-23. Review status: criteria provided, single submitter. Criteria: Invitae Variant Classification Sherloc (09022015). Collection method: clinical testing. Allele origin: germline.
Comment: This sequence change replaces methionine, which is neutral and non-polar, with isoleucine, which is neutral and non-polar, at codon 168 of the NRAS protein (p.Met168Ile). This variant is present in population databases (no rsID available, gnomAD 0.0009%). This variant has not been reported in the literature in individuals affected with NRAS-related conditions. ClinVar contains an entry for this variant (Variation ID: 3604999). Invitae Evidence Modeling of protein sequence and biophysical properties (such as structural, functional, and spatial information, amino acid conservation, physicochemical variation, residue mobility, and thermodynamic stability) indicates that this missense variant is not expected to disrupt NRAS protein function with a negative predictive value of 95%. In summary, the available evidence is currently insufficient to determine the role of this variant in disease. Therefore, it has been classified as a Variant of Uncertain Significance.